The following is an entry in ClinVar:

ClinVar aggregate classification (germline): Uncertain significance. Review status: criteria provided, multiple submitters, no conflicts (2 of 4 stars). 2 submissions from 2 submitters: Uncertain significance (2). Last evaluated 2024-07-31.

Conditions:
Inborn genetic diseases. Identifiers: MedGen C0950123, MeSH D030342.
Hyperekplexia 3 (HKPX3). Also called: HYPEREKPLEXIA 3, AUTOSOMAL RECESSIVE; HYPEREKPLEXIA 3, AUTOSOMAL DOMINANT. Identifiers: Orphanet 3197, MedGen C3553288, MONDO:0013827, OMIM 614618.

Allele frequency attached by ClinVar (database versions not stated): gnomAD 0.00005; ExAC 0.00010; TOPMed 0.00011; gnomAD exomes 0.00012.
gnomAD v4.1: 64 of 1,585,152 alleles (0.004%); highest among the groups gnomAD compares: Admixed American, 0.05%; no homozygotes.

Submissions (2):

Ambry Genetics
Classification: Uncertain significance for Inborn genetic diseases. Last evaluated: 2024-07-31. Review status: criteria provided, single submitter. Criteria: Ambry Variant Classification Scheme 2023. Collection method: clinical testing. Allele origin: germline.

Labcorp Genetics (formerly Invitae), Labcorp
Classification: Uncertain significance for Hyperekplexia 3. Last evaluated: 2022-08-22. Review status: criteria provided, single submitter. Criteria: Invitae Variant Classification Sherloc (09022015). Collection method: clinical testing. Allele origin: germline.
Comment: This sequence change replaces proline, which is neutral and non-polar, with serine, which is neutral and polar, at codon 26 of the SLC6A5 protein (p.Pro26Ser). This variant is present in population databases (rs749057466, gnomAD 0.05%). This variant has not been reported in the literature in individuals affected with SLC6A5-related conditions. ClinVar contains an entry for this variant (Variation ID: 1060018). Advanced modeling of protein sequence and biophysical properties (such as structural, functional, and spatial information, amino acid conservation, physicochemical variation, residue mobility, and thermodynamic stability) performed at Invitae indicates that this missense variant is not expected to disrupt SLC6A5 protein function. In summary, the available evidence is currently insufficient to determine the role of this variant in disease. Therefore, it has been classified as a Variant of Uncertain Significance.

NM_004211.5(SLC6A5):c.76C>T (p.Pro26Ser)

Gene: SLC6A5 (solute carrier family 6 member 5; plus strand). Cytogenetic location: 11p15.1.
Variant type: single nucleotide variant.
Coding change: c.76C>T on transcript NM_004211.5 (MANE Select); coding-DNA position 76, C replaced by T.
Protein change: p.Pro26Ser; replaces proline 26 with serine.
Molecular consequence: missense variant. On other transcripts: 5 prime UTR variant (1).
Genome position (GRCh38, 1-based): chr11:20,601,201, C>T. VCF-style: chr11-20601201-C-T. GRCh37 (hg19) VCF-style: chr11-20622747-C-T.
Other names: c.-488C>T (NM_001318369.2); c.76C>T (NM_004211.3); short protein forms P26S.
Identifiers: ClinVar variation 1060018 (VCV001060018.5), dbSNP rs749057466, ClinGen allele CA5920988.
Genomic context (GRCh38, chr11:20,601,201, plus strand): 5'-CCCAAGGAAATGAATAAACTGCCAGCCAACAGCCCGGAGGCGGCGGCGGCGCAGGGCCAC[C>T]CGGATGGCCCATGCGCTCCCAGGACGAGCCCGGAGCAGGAGCTTCCCGCGGCTGCCGCCC-3'
Protein context (NP_004202.4, residues 16-36): SPEAAAAQGH[Pro26Ser]DGPCAPRTSP